The following is an entry in ClinVar:

ClinVar aggregate classification (germline): Pathogenic (1 of 4 stars; one submission).

Conditions:
Giant axonal neuropathy 1 (GAN1). Also called: GIANT AXONAL NEUROPATHY 1, AUTOSOMAL RECESSIVE; GAN-Related Neurodegeneration. Identifiers: Orphanet 643, MedGen C1850386, MONDO:0009749, OMIM 256850.

Submission:

3billion
Classification: Pathogenic for Giant axonal neuropathy 1. Last evaluated: 2024-01-11. Review status: criteria provided, single submitter. Criteria: ACMG Guidelines, 2015. Collection method: clinical testing. Allele origin: germline. Affected: yes.
Comment: The variant is not observed in the gnomAD v2.1.1 dataset. Predicted Consequence/Location: Frameshift: predicted to result in a loss or disruption of normal protein function through nonsense-mediated decay (NMD) or protein truncation. Multiple pathogenic variants are reported downstream of the variant. Therefore, this variant is classified as Pathogenic according to the recommendation of ACMG/AMP guideline.

NM_022041.4(GAN):c.625_626insCT (p.Ile209fs)

Gene: GAN (gigaxonin; plus strand). Cytogenetic location: 16q23.2.
Variant type: Insertion.
Coding change: c.625_626insCT on transcript NM_022041.4 (MANE Select); coding-DNA positions 625 to 626, CT inserted.
Protein change: p.Ile209fs; shifts the reading frame from isoleucine 209.
Molecular consequence: frameshift variant. On other transcripts: 5 prime UTR variant (1).
Genome position: GRCh38 VCF-style: chr16-81354747-A-ACT. GRCh37 (hg19) VCF-style: chr16-81388352-A-ACT.
Other names: c.-15_-14insCT (NM_001377486.1); short protein forms I209fs.
Identifiers: ClinVar variation 3775527 (VCV003775527.1).